The following is an entry in ClinVar:

NM_025215.6(PUS1):c.1149C>T (p.Asp383=)

Gene: PUS1 (pseudouridine synthase 1; plus strand). Cytogenetic location: 12q24.33.
Variant type: single nucleotide variant.
Coding change: c.1149C>T on transcript NM_025215.6 (MANE Select); coding-DNA position 1149, C replaced by T.
Protein change: p.Asp383=; no amino-acid change (aspartic acid 383 retained).
Molecular consequence: synonymous variant.
Genome position (GRCh38, 1-based): chr12:131,941,896, C>T. VCF-style: chr12-131941896-C-T. GRCh37 (hg19) VCF-style: chr12-132426441-C-T.
Other names: c.1065C>T, p.Asp355= (NM_001002019.3, NM_001002020.3).
Identifiers: ClinVar variation 1133790 (VCV001133790.33), dbSNP rs768281932, ClinGen allele CA6884330.

ClinVar aggregate classification (germline): Likely benign. Review status: criteria provided, multiple submitters, no conflicts (2 of 4 stars). 3 submissions from 3 submitters: Likely benign (3). Last evaluated 2026-01-09.

Allele frequency attached by ClinVar (database versions not stated): TOPMed 0.00001; ExAC 0.00002; gnomAD exomes 0.00002 and 0.00001; gnomAD 0.00001.

Submissions (3):

Labcorp Genetics (formerly Invitae), Labcorp
Classification: Likely benign. Last evaluated: 2026-01-09. Review status: criteria provided, single submitter. Criteria: Invitae Variant Classification Sherloc (09022015). Collection method: clinical testing. Allele origin: germline.

CeGaT Center for Human Genetics Tuebingen
Classification: Likely benign. Last evaluated: 2023-02-01. Review status: criteria provided, single submitter. Criteria: CeGaT Center For Human Genetics Tuebingen Variant Classification Criteria Version 2. Collection method: clinical testing. Allele origin: germline. Affected: yes. Observed: 1 variant allele.
Comment: PUS1: BP4, BP7

Blueprint Genetics
Classification: Likely benign. Last evaluated: 2021-11-23. Review status: criteria provided, single submitter. Criteria: ACMG Guidelines, 2015. Collection method: clinical testing. Allele origin: germline.